The following is an entry in ClinVar:

NM_170707.4(LMNA):c.266G>T (p.Arg89Leu)

Gene: LMNA (lamin A/C; plus strand). Cytogenetic location: 1q22.
Variant type: single nucleotide variant.
Coding change: c.266G>T on transcript NM_170707.4 (MANE Select); coding-DNA position 266, G replaced by T.
Protein change: p.Arg89Leu; replaces arginine 89 with leucine.
Molecular consequence: missense variant.
Genome position (GRCh38, 1-based): chr1:156,115,184, G>T. VCF-style: chr1-156115184-G-T. GRCh37 (hg19) VCF-style: chr1-156084975-G-T.
Other names: c.266G>T, p.Arg89Leu (NM_001282625.2, NM_001282626.2, NM_005572.4 and 1 more transcripts); short protein forms R89L.
Identifiers: ClinVar variation 66884 (VCV000066884.11), dbSNP rs59040894, ClinGen allele CA017839.

ClinVar aggregate classification (germline): Pathogenic/Likely pathogenic. Review status: criteria provided, multiple submitters, no conflicts (2 of 4 stars). 4 submissions from 4 submitters: Pathogenic (2); Likely pathogenic (1). 1 of the submissions does not count toward it. Last evaluated 2024-12-19.

Conditions:
Charcot-Marie-Tooth disease type 2. Also called: Charcot-Marie-Tooth type 2. Identifiers: Orphanet 64746, MedGen C0270914, MONDO:0018993.
LMNA-related disorder. Also called: LMNA-related condition; LMNA-related disease; LMNA-related disorders. Identifiers: MedGen CN380145.
Cardiovascular phenotype. Identifiers: MedGen CN230736.

Submissions (4):

Ambry Genetics
Classification: Likely pathogenic for Cardiovascular phenotype. Last evaluated: 2024-12-19. Review status: criteria provided, single submitter. Criteria: Ambry Variant Classification Scheme 2023. Collection method: clinical testing. Allele origin: germline.
Comment: The p.R89L variant (also known as c.266G>T), located in coding exon 1 of the LMNA gene, results from a G to T substitution at nucleotide position 266. The arginine at codon 89 is replaced by leucine, an amino acid with dissimilar properties. This variant was reported in individual(s) with features consistent with LMNA-related laminopathies, including dilated cardiomyopathy (DCM) with cardiac conduction disease (Taylor MR et al. J Am Coll Cardiol, 2003 Mar;41:771-80; Cowan J et al. Circ Cardiovasc Genet, 2010 Feb;3:6-14; Redondo-Verg&eacute; L et al. Muscle Nerve, 2011 Oct;44:587-9; Saj M et al. BMC Med Genet, 2013 May;14:55; Gigli M et al. J Am Coll Cardiol, 2019 Sep;74:1480-1490; Nafissi NA et al. Circ Genom Precis Med, 2022 Oct;15:e003675). This variant is considered to be rare based on population cohorts in the Genome Aggregation Database (gnomAD). This amino acid position is highly conserved in available vertebrate species. In addition, this alteration is predicted to be deleterious by in silico analysis. Based on the majority of available evidence to date, this variant is likely to be pathogenic.

Labcorp Genetics (formerly Invitae), Labcorp
Classification: Pathogenic for Charcot-Marie-Tooth disease type 2. Last evaluated: 2024-09-21. Review status: criteria provided, single submitter. Criteria: Invitae Variant Classification Sherloc (09022015). Collection method: clinical testing. Allele origin: germline.
Comment: This sequence change replaces arginine, which is basic and polar, with leucine, which is neutral and non-polar, at codon 89 of the LMNA protein (p.Arg89Leu). This variant is not present in population databases (gnomAD no frequency). This missense change has been observed in individuals with dilated cardiomyopathy and/or Emery–Dreifuss muscular dystrophy (PMID: 12628721, 20160190, 21922471, 23582089, 23702046, 26567375). It has also been observed to segregate with disease in related individuals. ClinVar contains an entry for this variant (Variation ID: 66884). Invitae Evidence Modeling of protein sequence and biophysical properties (such as structural, functional, and spatial information, amino acid conservation, physicochemical variation, residue mobility, and thermodynamic stability) indicates that this missense variant is expected to disrupt LMNA protein function with a positive predictive value of 95%. Experimental studies have shown that this missense change affects LMNA function (PMID: 20160190, 24623722). For these reasons, this variant has been classified as Pathogenic.

Blueprint Genetics
Classification: Pathogenic for LMNA-related disorders. Last evaluated: 2023-09-04. Review status: criteria provided, single submitter. Criteria: ACMG Guidelines, 2015. Collection method: clinical testing. Allele origin: germline. Affected: yes. Observed: 1 variant allele.

Epithelial Biology;  Institute of Medical Biology, Singapore
No classification provided. Review status: no classification provided. Collection method: not provided. Allele origin: not provided. Not counted in ClinVar's aggregate classification.

Literature cited by the submitters: PubMed 12628721 (cited by Ambry Genetics and Labcorp Genetics (formerly Invitae), Labcorp); PubMed 20160190 (cited by Ambry Genetics and Labcorp Genetics (formerly Invitae), Labcorp); PubMed 21922471 (cited by Ambry Genetics and Labcorp Genetics (formerly Invitae), Labcorp); PubMed 23702046 (cited by Ambry Genetics and Labcorp Genetics (formerly Invitae), Labcorp); PubMed 31514951 (cited by Ambry Genetics); PubMed 36136372 (cited by Ambry Genetics); PubMed 23582089 (cited by Labcorp Genetics (formerly Invitae), Labcorp); PubMed 26567375 (cited by Labcorp Genetics (formerly Invitae), Labcorp); PubMed 24623722 (cited by Labcorp Genetics (formerly Invitae), Labcorp).